The following is an entry in ClinVar:

ClinVar aggregate classification (germline): Likely pathogenic (1 of 4 stars; one submission).

Conditions:
Hereditary breast ovarian cancer syndrome. Also called: Hereditary breast and ovarian cancer syndrome; Hereditary breast and ovarian cancer syndrome (HBOC); Hereditary breast and/or ovarian cancer syndrome; Hereditary breast and ovarian cancer; Breast and ovarian cancer; BRCA1- and BRCA2-Associated Hereditary Breast and Ovarian Cancer. Identifiers: Orphanet 145, MedGen C0677776, MeSH D061325, MONDO:0003582. Disease mechanism: loss of function.

Submission:

Women's Health and Genetics/Laboratory Corporation of America, LabCorp
Classification: Likely pathogenic for Hereditary breast and ovarian cancer syndrome. Last evaluated: 2019-10-09. Review status: criteria provided, single submitter. Criteria: LabCorp Variant Classification Summary - May 2015. Collection method: clinical testing. Allele origin: germline.
Comment: Variant summary: BRCA2 c.2886_3114del229 (p.Ile963LeufsX4) results in a premature termination codon, predicted to cause a truncation of the encoded protein or absence of the protein due to nonsense mediated decay, which are commonly known mechanisms for disease. Truncations downstream of this position have been classified as pathogenic by our laboratory. The variant was absent in about 20,000 control chromosomes (gnomAD, structural variants dataset). To our knowledge, no occurrence of c.2886_3114del229 in individuals affected with Hereditary Breast and Ovarian Cancer and no experimental evidence demonstrating its impact on protein function have been reported. No clinical diagnostic laboratories have submitted clinical-significance assessments for this variant to ClinVar after 2014. Based on the evidence outlined above, the variant was classified as likely pathogenic.

NM_000059.4(BRCA2):c.2886_3114del (p.Ile963fs)

Gene: BRCA2 (BRCA2 DNA repair associated; plus strand). Cytogenetic location: 13q13.1.
Variant type: Deletion.
Coding change: c.2886_3114del on transcript NM_000059.4 (MANE Select); coding-DNA positions 2886 to 3114, 229 bases deleted.
Protein change: p.Ile963fs; shifts the reading frame from isoleucine 963.
Molecular consequence: frameshift variant.
Genome position (GRCh38, 1-based): chr13:32,337,241-32,337,469, 229 bases deleted. GRCh37 (hg19): chr13:32,911,378-32,911,606.
Other names: short protein forms I963fs.
Identifiers: ClinVar variation 928832 (VCV000928832.1), dbSNP rs2072467292, ClinGen allele CA1139663130.